The following is an entry in ClinVar:

NM_001365480.1(CCDC88A):c.986T>C (p.Val329Ala)

Gene: CCDC88A (coiled-coil and HOOK domain protein 88A; minus strand). Cytogenetic location: 2p16.1.
Variant type: single nucleotide variant.
Coding change: c.986T>C on transcript NM_001365480.1 (MANE Select); coding-DNA position 986, T replaced by C.
Protein change: p.Val329Ala; replaces valine 329 with alanine.
Molecular consequence: missense variant.
Genome position (GRCh38, 1-based): chr2:55,346,230, A>G on the plus strand (T>C on the coding strand, the complement: CCDC88A is on the minus strand). VCF-style: chr2-55346230-A-G. GRCh37 (hg19) VCF-style: chr2-55573366-A-G.
Other names: c.986T>C, p.Val329Ala (NM_001135597.2, NM_001254943.2, NM_018084.5); short protein forms V329A.
Identifiers: ClinVar variation 1356206 (VCV001356206.6), dbSNP rs1669092387, ClinGen allele CA346906881.

ClinVar aggregate classification (germline): Uncertain significance (1 of 4 stars; one submission).

Allele frequency attached by ClinVar (database versions not stated): TOPMed below 0.00001; gnomAD 0.00001.
gnomAD v4.1: 1 of 1,611,760 alleles (0.000062%); highest among the groups gnomAD compares: Non-Finnish European, 0.000085%; no homozygotes.

Submission:

Labcorp Genetics (formerly Invitae), Labcorp
Classification: Uncertain significance. Last evaluated: 2023-11-27. Review status: criteria provided, single submitter. Criteria: Invitae Variant Classification Sherloc (09022015). Collection method: clinical testing. Allele origin: germline.
Comment: This sequence change replaces valine, which is neutral and non-polar, with alanine, which is neutral and non-polar, at codon 329 of the CCDC88A protein (p.Val329Ala). This variant is not present in population databases (gnomAD no frequency). This variant has not been reported in the literature in individuals affected with CCDC88A-related conditions. ClinVar contains an entry for this variant (Variation ID: 1356206). An algorithm developed to predict the effect of missense changes on protein structure and function (PolyPhen-2) suggests that this variant is likely to be tolerated. In summary, the available evidence is currently insufficient to determine the role of this variant in disease. Therefore, it has been classified as a Variant of Uncertain Significance.